The following is an entry in ClinVar:

ClinVar aggregate classification (germline): Uncertain significance. Review status: criteria provided, multiple submitters, no conflicts (2 of 4 stars). 2 submissions from 2 submitters: Uncertain significance (2). Last evaluated 2022-01-16.

Conditions:
Inborn genetic diseases. Identifiers: MedGen C0950123, MeSH D030342.
Hereditary spastic paraplegia 11. Also called: Spastic paraplegia, mental retardation and thin corpus callosum; Spastic Paraplegia 11; Nakamura Osame syndrome; Autosomal recessive hereditary spastic paraplegia, mental impairment, and thin corpus callosum; SPASTIC PARAPLEGIA, AUTOSOMAL RECESSIVE, COMPLICATED, WITH THIN CORPUS CALLOSUM; SPASTIC PARAPLEGIA, AUTOSOMAL RECESSIVE, WITH MENTAL IMPAIRMENT AND THIN CORPUS CALLOSUM. Identifiers: Orphanet 2822, MedGen C1858479, MONDO:0011445, OMIM 604360.

Submissions (2):

Labcorp Genetics (formerly Invitae), Labcorp
Classification: Uncertain significance for Hereditary spastic paraplegia 11. Last evaluated: 2022-01-16. Review status: criteria provided, single submitter. Criteria: Invitae Variant Classification Sherloc (09022015). Collection method: clinical testing. Allele origin: germline.
Comment: In summary, the available evidence is currently insufficient to determine the role of this variant in disease. Therefore, it has been classified as a Variant of Uncertain Significance. Algorithms developed to predict the effect of missense changes on protein structure and function (SIFT, PolyPhen-2, Align-GVGD) all suggest that this variant is likely to be tolerated. This variant has not been reported in the literature in individuals affected with SPG11-related conditions. This variant is not present in population databases (gnomAD no frequency). This sequence change replaces asparagine, which is neutral and polar, with isoleucine, which is neutral and non-polar, at codon 397 of the SPG11 protein (p.Asn397Ile).

Ambry Genetics
Classification: Uncertain significance for Inborn genetic diseases. Last evaluated: 2021-08-09. Review status: criteria provided, single submitter. Criteria: Ambry Variant Classification Scheme 2023. Collection method: clinical testing. Allele origin: germline.

NM_025137.4(SPG11):c.1190A>T (p.Asn397Ile)

Gene: SPG11 (SPG11 vesicle trafficking associated, spatacsin; minus strand). Cytogenetic location: 15q21.1.
Variant type: single nucleotide variant.
Coding change: c.1190A>T on transcript NM_025137.4 (MANE Select); coding-DNA position 1190, A replaced by T.
Protein change: p.Asn397Ile; replaces asparagine 397 with isoleucine.
Molecular consequence: missense variant.
Genome position (GRCh38, 1-based): chr15:44,651,757, T>A on the plus strand (A>T on the coding strand, the complement: SPG11 is on the minus strand). VCF-style: chr15-44651757-T-A. GRCh37 (hg19) VCF-style: chr15-44943955-T-A.
Other names: c.1190A>T, p.Asn397Ile (NM_001160227.2, NM_001411132.1); short protein forms N397I.
Identifiers: ClinVar variation 1961910 (VCV001961910.6), dbSNP rs2505727238, ClinGen allele CA392236391.